The following is an entry in ClinVar:

ClinVar aggregate classification (germline): Pathogenic. Review status: criteria provided, multiple submitters, no conflicts (2 of 4 stars). 6 submissions from 6 submitters: Pathogenic (5). 1 of the submissions does not count toward it. Last evaluated 2025-01-22.

Conditions:
Treacher Collins syndrome 1 (TCS1). Also called: TCOF1-Related Treacher Collins Syndrome. Identifiers: Orphanet 861, MedGen CN315775, MONDO:0007944, OMIM 154500.
TCOF1-related disorder. Also called: TCOF1-related condition.

Submissions (6):

PreventionGenetics, part of Exact Sciences
Classification: Pathogenic for TCOF1-related condition. Last evaluated: 2025-01-22. Review status: criteria provided, single submitter. Criteria: ACMG Guidelines, 2015. Collection method: clinical testing. Allele origin: germline.
Comment: The TCOF1 c.4218dupG variant is predicted to result in a frameshift and premature protein termination (p.Ser1407Valfs*23). This variant has been reported to be pathogenic for Treacher Collins Syndrome (reported as 3987^3988insG in Splendore et al. 2000. PubMed ID: 11013442, Pan et al. 2021. PubMed ID: 33332773; Bowman et al. 2012. PubMed ID: 22317976; Table S2, Marouane et al. 2024. PubMed ID: 38259611). This variant has not been reported in a large population database (gnomAD), indicating this variant is rare. Frameshift variants in TCOF1 are expected to be pathogenic. This variant is interpreted as pathogenic.

Victorian Clinical Genetics Services, Murdoch Childrens Research Institute
Classification: Pathogenic for Treacher Collins syndrome 1. Last evaluated: 2023-07-17. Review status: criteria provided, single submitter. Criteria: ACMG Guidelines, 2015. Collection method: clinical testing. Allele origin: germline. Inheritance: Autosomal dominant inheritance. Affected: yes.
Comment: Based on the classification scheme VCGS_Germline_v1.3.4, this variant is classified as Pathogenic. Following criteria are met: 0102 - Loss of function is a known mechanism of disease in this gene and is associated with Treacher Collins syndrome 1 (MIM#154500). (I) 0107 - This gene is associated with autosomal dominant disease. (I) 0112 - The condition associated with this gene has incomplete penetrance. While penetrance for Treacher Collins syndrome 1 (MIM#154500) is high, reduced penetrance has been reported for the TCOF1 gene (PMID: 20301704). (I) 0115 - Variants in this gene are known to have variable expressivity. Significant interfamilial and intrafamilial variability have been reported (PMID: 20301704). (I) 0201 - Variant is predicted to cause nonsense-mediated decay (NMD) and loss of protein (premature termination codon is located at least 54 nucleotides upstream of the final exon-exon junction). (SP) 0251 - This variant is heterozygous. (I) 0301 - Variant is absent from gnomAD (both v2 and v3). (SP) 0701 - Other NMD predicted variants comparable to the one identified in this case have very strong previous evidence for pathogenicity (DECIPHER). (SP) 0801 - This variant has strong previous evidence of pathogenicity in unrelated individuals. This variant has been classified as pathogenic by several clinical laboratories in ClinVar, and had been observed in several individuals with Treacher Collins syndrome in the literature including one case where the variant was observed as de novo (PMIDs: 33332773, 11013442, 22317976, 15340364). (SP) 1208 - Inheritance information for this variant is not currently available in this individual. (I) Legend: (SP) - Supporting pathogenic, (I) - Information, (SB) - Supporting benign

Labcorp Genetics (formerly Invitae), Labcorp
Classification: Pathogenic for Treacher Collins syndrome 1. Last evaluated: 2022-10-22. Review status: criteria provided, single submitter. Criteria: Invitae Variant Classification Sherloc (09022015). Collection method: clinical testing. Allele origin: germline.
Comment: This sequence change creates a premature translational stop signal (p.Ser1407Valfs*23) in the TCOF1 gene. It is expected to result in an absent or disrupted protein product. Loss-of-function variants in TCOF1 are known to be pathogenic (PMID: 8894686, 22317976). This variant is not present in population databases (gnomAD no frequency). This premature translational stop signal has been observed in individual(s) with Treacher Collins syndrome (PMID: 11013442, 15340364, 22317976). This variant is also known as 3987_3988insG. ClinVar contains an entry for this variant (Variation ID: 575776). For these reasons, this variant has been classified as Pathogenic.

Blueprint Genetics
Classification: Pathogenic for TCOF1-related disorders. Last evaluated: 2021-05-11. Review status: criteria provided, single submitter. Criteria: ACMG Guidelines, 2015. Collection method: clinical testing. Allele origin: germline. Affected: yes. Observed: 1 variant allele.

GeneDx
Classification: Pathogenic. Last evaluated: 2020-06-19. Review status: criteria provided, single submitter. Criteria: GeneDx Variant Classification Process June 2021. Collection method: clinical testing. Allele origin: germline. Affected: yes.
Comment: Frameshift variant predicted to result in protein truncation or nonsense mediated decay in a gene for which loss-of-function is a known mechanism of disease; Not observed in large population cohorts (Lek et al., 2016); This variant is associated with the following publications: (PMID: 33332773, 15340364, 11013442, 20003452, 22317976)

Biochemical Molecular Genetic Laboratory, King Abdulaziz Medical City
Classification: Pathogenic for Treacher Collins syndrome 1. Last evaluated: 2020-08-07. Review status: no assertion criteria provided. Collection method: clinical testing. Allele origin: germline. Affected: yes. Not counted in ClinVar's aggregate classification.

Literature cited by the submitters: PubMed 11013442 (cited by Victorian Clinical Genetics Services, Murdoch Childrens Research Institute and Labcorp Genetics (formerly Invitae), Labcorp); PubMed 15340364 (cited by Victorian Clinical Genetics Services, Murdoch Childrens Research Institute and Labcorp Genetics (formerly Invitae), Labcorp); PubMed 20301704 (cited by Victorian Clinical Genetics Services, Murdoch Childrens Research Institute); PubMed 22317976 (cited by Victorian Clinical Genetics Services, Murdoch Childrens Research Institute and Labcorp Genetics (formerly Invitae), Labcorp); PubMed 33332773 (cited by Victorian Clinical Genetics Services, Murdoch Childrens Research Institute); PubMed 8894686 (cited by Labcorp Genetics (formerly Invitae), Labcorp).

NM_001371623.1(TCOF1):c.4221dup (p.Ser1408fs)

Gene: TCOF1 (treacle ribosome biogenesis factor 1; plus strand). Cytogenetic location: 5q32.
Variant type: Duplication.
Coding change: c.4221dup on transcript NM_001371623.1 (MANE Select); coding-DNA position 4221, one base duplicated (G; older notation c.4221dupG).
Protein change: p.Ser1408fs; shifts the reading frame from serine 1408.
Molecular consequence: frameshift variant.
Genome position (GRCh38, 1-based): chr5:150,396,718, G duplicated; the last of 4 consecutive G bases (chr5:150,396,715-150,396,718); duplicating any one gives the same sequence. VCF-style (leftmost placement, unchanged base first): chr5-150396714-A-AG. GRCh37 (hg19) VCF-style: chr5-149776277-A-AG.
Other names: c.4218dupG (NM_001135243.1); c.3987dup, p.Ser1330fs (NM_000356.4); c.4218dup, p.Ser1407fs (NM_001135243.2); c.4107dup, p.Ser1370fs (NM_001135244.2); c.3990dup, p.Ser1331fs (NM_001135245.2); c.4104dup, p.Ser1369fs (NM_001195141.2); short protein forms S1369fs, S1370fs, S1331fs, S1330fs, S1407fs, S1408fs.
Identifiers: ClinVar variation 575776 (VCV000575776.17), dbSNP rs1561540623, ClinGen allele CA891843223.